The following is an entry in ClinVar:

NM_198859.4(PRICKLE2):c.680C>G (p.Thr227Arg)

Gene: PRICKLE2 (prickle planar cell polarity protein 2; minus strand). Cytogenetic location: 3p14.1.
Variant type: single nucleotide variant.
Coding change: c.680C>G on transcript NM_198859.4 (MANE Select); coding-DNA position 680, C replaced by G.
Protein change: p.Thr227Arg; replaces threonine 227 with arginine.
Molecular consequence: missense variant.
Genome position (GRCh38, 1-based): chr3:64,153,289, G>C on the plus strand (C>G on the coding strand, the complement: PRICKLE2 is on the minus strand). VCF-style: chr3-64153289-G-C. GRCh37 (hg19) VCF-style: chr3-64138965-G-C.
Other names: c.680C>G, p.Thr227Arg (NM_001370528.1); short protein forms T227R.
Identifiers: ClinVar variation 1064440 (VCV001064440.1), dbSNP rs750828226, ClinGen allele CA353433907.
Genomic context (GRCh38, chr3:64,153,289, plus strand): 5'-AAGCAGTGGCAACAGTAGGGTCTTCCCTCCTTCATGATGTAGCGCTGGCCGCCCAGCACT[G>C]TCTCACACTCGAAGCAGCAAAAGTGTTTCATGTGCCAGTGTCGCCCCTCAGCTTCTGTGC-3'
Protein context (NP_942559.1, residues 217-237): MKHFCCFECE[Thr227Arg]VLGGQRYIMK

ClinVar aggregate classification (germline): Likely pathogenic (1 of 4 stars; one submission).

Submission:

Genetics and Personalized Medicine, Danish Epilepsy Center
Classification: Likely pathogenic. Last evaluated: 2021-02-01. Review status: criteria provided, single submitter. Criteria: ACMG Guidelines, 2015. Collection method: clinical testing. Allele origin: de novo. Affected: yes. Observed: 1 variant allele.
Comment: Interpretation based on ACMG guidelines from 2015 (PS2+PM1+PM2)